The following is an entry in ClinVar:

ClinVar aggregate classification (germline): Pathogenic (1 of 4 stars; one submission).

Conditions:
Neurofibromatosis, type 1 (NF1). Also called: Neurofibromatosis, type I; VON RECKLINGHAUSEN DISEASE; NEUROFIBROMATOSIS, TYPE I, SOMATIC; Peripheral type neurofibromatosis. Identifiers: Orphanet 636, MedGen C0027831, MONDO:0018975, OMIM 162200. Disease mechanism: loss of function.

Submission:

Labcorp Genetics (formerly Invitae), Labcorp
Classification: Pathogenic for Neurofibromatosis, type 1. Last evaluated: 2020-10-30. Review status: criteria provided, single submitter. Criteria: Invitae Variant Classification Sherloc (09022015). Collection method: clinical testing. Allele origin: germline.
Comment: This sequence change creates a premature translational stop signal (p.Ser876Leufs*2) in the NF1 gene. It is expected to result in an absent or disrupted protein product. Loss-of-function variants in NF1 are known to be pathogenic (PMID: 10712197, 23913538). This variant is present in population databases (rs770417659, ExAC 0.02%). This variant has been observed in individual(s) with clinical features of neurofibromatosis type 1 (PMID: 25074460). For these reasons, this variant has been classified as Pathogenic.

Literature cited by the submitters: PubMed 10712197; PubMed 23913538; PubMed 25074460.

NM_001042492.3(NF1):c.2626del (p.Ser876fs)

Gene: NF1 (neurofibromin 1; plus strand). Cytogenetic location: 17q11.2.
Variant type: Deletion.
Coding change: c.2626del on transcript NM_001042492.3 (MANE Select); coding-DNA position 2626, one base deleted (T; older notation c.2626delT).
Protein change: p.Ser876fs; shifts the reading frame from serine 876.
Molecular consequence: frameshift variant.
Genome position (GRCh38, 1-based): chr17:31,229,241, T deleted; the last of 2 consecutive T bases (chr17:31,229,240-31,229,241); deleting either gives the same sequence. VCF-style (leftmost placement, unchanged base first): chr17-31229239-GT-G. GRCh37 (hg19) VCF-style: chr17-29556257-GT-G.
Other names: c.2626delT, p.Ser876Leufs (NM_000267.4); short protein forms S876fs.
Identifiers: ClinVar variation 1454380 (VCV001454380.8), dbSNP rs770417659, ClinGen allele CA8486008.